The following is an entry in ClinVar:

ClinVar aggregate classification (germline): Uncertain significance (1 of 4 stars; one submission).

Conditions:
Hereditary cancer-predisposing syndrome. Also called: Neoplastic Syndromes, Hereditary; Hereditary neoplastic syndrome; Tumor predisposition; Hereditary Cancer Syndrome. Identifiers: Orphanet 140162, MedGen C0027672, MeSH D009386, MONDO:0015356.

Submission:

Ambry Genetics
Classification: Uncertain significance for Hereditary cancer-predisposing syndrome. Last evaluated: 2023-03-07. Review status: criteria provided, single submitter. Criteria: Ambry Variant Classification Scheme 2023. Collection method: clinical testing. Allele origin: germline.
Comment: The p.D812Y variant (also known as c.2434G>T), located in coding exon 15 of the CDH1 gene, results from a G to T substitution at nucleotide position 2434. The aspartic acid at codon 812 is replaced by tyrosine, an amino acid with highly dissimilar properties. This amino acid position is conserved. In addition, this alteration is predicted to be deleterious by in silico analysis. Since supporting evidence is limited at this time, the clinical significance of this alteration remains unclear.

NM_004360.5(CDH1):c.2434G>T (p.Asp812Tyr)

Gene: CDH1 (cadherin 1; plus strand). Cytogenetic location: 16q22.1.
Variant type: single nucleotide variant.
Coding change: c.2434G>T on transcript NM_004360.5 (MANE Select); coding-DNA position 2434, G replaced by T.
Protein change: p.Asp812Tyr; replaces aspartic acid 812 with tyrosine.
Molecular consequence: missense variant.
Genome position (GRCh38, 1-based): chr16:68,829,792, G>T. VCF-style: chr16-68829792-G-T. GRCh37 (hg19) VCF-style: chr16-68863695-G-T.
Other names: c.2251G>T, p.Asp751Tyr (NM_001317184.2); c.886G>T, p.Asp296Tyr (NM_001317185.2); c.469G>T, p.Asp157Tyr (NM_001317186.2); short protein forms D157Y, D296Y, D751Y, D812Y.
Identifiers: ClinVar variation 2494271 (VCV002494271.2), dbSNP rs2152142477, ClinGen allele CA396471373.
Genomic context (GRCh38, chr16:68,829,792, plus strand): 5'-ATGAGTGTCCCCCGGTATCTTCCCCGCCCTGCCAATCCCGATGAAATTGGAAATTTTATT[G>T]ATGAAGTAAGTAATCCACGTGGAAAGCCAAAGCATGGCTCATCTCTAAGCTCAGGAGGAG-3'
Protein context (NP_004351.1, residues 802-822): ANPDEIGNFI[Asp812Tyr]ENLKAADTDP